The following is an entry in ClinVar:

ClinVar aggregate classification (germline): Uncertain significance (1 of 4 stars; one submission).

gnomAD v4.1: 19 of 1,537,302 alleles (0.0012%); highest among the groups gnomAD compares: Admixed American, 0.0079%; no homozygotes.

Submission:

Labcorp Genetics (formerly Invitae), Labcorp
Classification: Uncertain significance. Last evaluated: 2024-06-03. Review status: criteria provided, single submitter. Criteria: Invitae Variant Classification Sherloc (09022015). Collection method: clinical testing. Allele origin: germline.
Comment: This sequence change replaces serine, which is neutral and polar, with leucine, which is neutral and non-polar, at codon 925 of the OTOG protein (p.Ser925Leu). This variant is present in population databases (rs749040674, gnomAD 0.01%). This variant has not been reported in the literature in individuals affected with OTOG-related conditions. An algorithm developed to predict the effect of missense changes on protein structure and function (PolyPhen-2) suggests that this variant is likely to be disruptive. In summary, the available evidence is currently insufficient to determine the role of this variant in disease. Therefore, it has been classified as a Variant of Uncertain Significance.

NM_001292063.2(OTOG):c.2738C>T (p.Ser913Leu)

Gene: OTOG (otogelin; plus strand). Cytogenetic location: 11p15.1.
Variant type: single nucleotide variant.
Coding change: c.2738C>T on transcript NM_001292063.2 (MANE Select); coding-DNA position 2738, C replaced by T.
Protein change: p.Ser913Leu; replaces serine 913 with leucine.
Molecular consequence: missense variant.
Genome position (GRCh38, 1-based): chr11:17,578,505, C>T. VCF-style: chr11-17578505-C-T. GRCh37 (hg19) VCF-style: chr11-17600052-C-T.
Other names: c.2774C>T, p.Ser925Leu (NM_001277269.2); short protein forms S913L, S925L.
Identifiers: ClinVar variation 3671190 (VCV003671190.2).